The following is an entry in ClinVar:

ClinVar aggregate classification (germline): Pathogenic (1 of 4 stars; one submission).

Conditions:
Chédiak-Higashi syndrome (CHS). Also called: Chediak-Higashi Syndrome. Identifiers: Orphanet 167, MedGen C0007965, MONDO:0008963, OMIM 214500.

Submission:

Labcorp Genetics (formerly Invitae), Labcorp
Classification: Pathogenic for Chédiak-Higashi syndrome. Last evaluated: 2024-03-18. Review status: criteria provided, single submitter. Criteria: Invitae Variant Classification Sherloc (09022015). Collection method: clinical testing. Allele origin: germline.
Comment: This sequence change creates a premature translational stop signal (p.Lys2762Alafs*4) in the LYST gene. It is expected to result in an absent or disrupted protein product. Loss-of-function variants in LYST are known to be pathogenic (PMID: 9215679, 11857544). This variant is not present in population databases (gnomAD no frequency). This variant has not been reported in the literature in individuals affected with LYST-related conditions. For these reasons, this variant has been classified as Pathogenic.

Literature cited by the submitters: PubMed 9215679; PubMed 11857544.

NM_000081.4(LYST):c.8284_8285del (p.Lys2762fs)

Gene: LYST (lysosomal trafficking regulator; minus strand). Cytogenetic location: 1q42.3.
Variant type: Deletion.
Coding change: c.8284_8285del on transcript NM_000081.4 (MANE Select); coding-DNA positions 8284 to 8285, 2 bases deleted (AA; older notation c.8284_8285delAA).
Protein change: p.Lys2762fs; shifts the reading frame from lysine 2762.
Molecular consequence: frameshift variant.
Genome position (GRCh38, 1-based): chr1:235,741,495-235,741,496, TT deleted on the plus strand (AA on the coding strand, the reverse complement: LYST is on the minus strand); deleting any 2 consecutive bases within chr1:235,741,495-235,741,497 gives the same sequence; the c. name uses the placement nearest the transcript's 3' end. VCF-style (leftmost placement, unchanged base first): chr1-235741494-CTT-C. GRCh37 (hg19) VCF-style: chr1-235904794-CTT-C.
Other names: c.8284_8285del, p.Lys2762fs (NM_001301365.1); short protein forms K2762fs.
Identifiers: ClinVar variation 3632786 (VCV003632786.2).